The following is an entry in ClinVar:

ClinVar aggregate classification (germline): Uncertain significance. Review status: criteria provided, multiple submitters, no conflicts (2 of 4 stars). 2 submissions from 2 submitters: Uncertain significance (2). Last evaluated 2026-07-07.

Conditions:
Malignant hyperthermia, susceptibility to, 1 (MHS1). Also called: Malignant hyperthermia suceptibility 1; Anesthesia related hyperthermia; Malignant hyperpyrexia; Fulminating hyperpyrexia; Pharmacogenic myopathy; RYR1-Related Malignant Hyperthermia Susceptibility. Identifiers: Orphanet 423, MedGen C2930980, MONDO:0007783, OMIM 145600.
Inborn genetic diseases. Identifiers: MedGen C0950123, MeSH D030342.

gnomAD v4.1: 6 of 1,426,260 alleles (0.00042%); highest among the groups gnomAD compares: Non-Finnish European, 0.00055%; no homozygotes.

Submissions (2):

Ambry Genetics
Classification: Uncertain significance for Inborn genetic diseases. Last evaluated: 2026-07-07. Review status: criteria provided, single submitter. Criteria: Ambry Variant Classification Scheme 2023. Collection method: clinical testing. Allele origin: germline.
Comment: The p.T4460K variant (also known as c.13379C>A), located in coding exon 91 of the RYR1 gene, results from a C to A substitution at nucleotide position 13379. The threonine at codon 4460 is replaced by lysine, an amino acid with similar properties. This amino acid position is conserved. In addition, this alteration is predicted to be tolerated by in silico analysis. Based on the available evidence, the clinical significance of this variant remains unclear.

All of Us Research Program, National Institutes of Health
Classification: Uncertain significance for Malignant hyperthermia, susceptibility to, 1. Last evaluated: 2024-02-22. Review status: criteria provided, single submitter. Criteria: ACMG Guidelines, 2015. Collection method: clinical testing. Allele origin: germline. Inheritance: Autosomal dominant inheritance. Observed: 1 variant allele, 1 heterozygote.
Comment: This missense variant replaces threonine with lysine at codon 4460 of the RYR1 protein. Computational prediction suggests that this variant may not impact protein structure and function (internally defined REVEL score threshold <= 0.5, PMID: 27666373). To our knowledge, functional studies have not been reported for this variant. This variant has not been reported in individuals affected with RYR1-related disorders in the literature. This variant has been identified in 1/44772 chromosomes in the general population by the Genome Aggregation Database (gnomAD). The available evidence is insufficient to determine the role of this variant in disease conclusively. Therefore, this variant is classified as a Variant of Uncertain Significance.

This study involves interpretation of variants in research participants for the purpose of population health screening. Participant phenotype was not available at the time of variant classification. Additional details can be found in publication PMID: 35346344, PMCID: PMC8962531

NM_000540.3(RYR1):c.13379C>A (p.Thr4460Lys)

Gene: RYR1 (ryanodine receptor 1; plus strand). Cytogenetic location: 19q13.2.
Variant type: single nucleotide variant.
Coding change: c.13379C>A on transcript NM_000540.3 (MANE Select); coding-DNA position 13379, C replaced by A.
Protein change: p.Thr4460Lys; replaces threonine 4460 with lysine.
Molecular consequence: missense variant.
Genome position (GRCh38, 1-based): chr19:38,565,713, C>A. VCF-style: chr19-38565713-C-A. GRCh37 (hg19) VCF-style: chr19-39056353-C-A.
Other names: c.13364C>A, p.Thr4455Lys (NM_001042723.2); short protein forms T4455K, T4460K.
Identifiers: ClinVar variation 3385594 (VCV003385594.2).